The following is an entry in ClinVar:

ClinVar aggregate classification (germline): Likely benign (1 of 4 stars; one submission).

Submission:

CeGaT Center for Human Genetics Tuebingen
Classification: Likely benign. Last evaluated: 2022-05-01. Review status: criteria provided, single submitter. Criteria: CeGaT Center For Human Genetics Tuebingen Variant Classification Criteria Version 2. Collection method: clinical testing. Allele origin: germline. Affected: yes. Observed: 1 variant allele.
Comment: KMT2C: PM2:Supporting, BP4, BP7

NM_170606.3(KMT2C):c.6417A>T (p.Arg2139=)

Gene: KMT2C (lysine methyltransferase 2C; minus strand). Cytogenetic location: 7q36.1.
Variant type: single nucleotide variant.
Coding change: c.6417A>T on transcript NM_170606.3 (MANE Select); coding-DNA position 6417, A replaced by T.
Protein change: p.Arg2139=; no amino-acid change (arginine 2139 retained).
Molecular consequence: synonymous variant.
Genome position (GRCh38, 1-based): chr7:152,181,443, T>A on the plus strand (A>T on the coding strand, the complement: KMT2C is on the minus strand). VCF-style: chr7-152181443-T-A. GRCh37 (hg19) VCF-style: chr7-151878528-T-A.
Identifiers: ClinVar variation 2658215 (VCV002658215.24), dbSNP rs2129119970, ClinGen allele CA458887852.
Genomic context (GRCh38, chr7:152,181,443, plus strand): 5'-GTAAGGGTCTGTATTGGACCTAGCTGTTCCTGAAGATTGGGAATAAGAATCTACAACAGG[T>A]CGTGGAGTTCCTGGGGGTTGGGAGTATGGGTCCTGAGATGTTGGCCTTGATATGGTTCCA-3'
Protein context (NP_733751.2, residues 2129-2149): DPYSQPPGTP[Arg2139=]PVVDSYSQSS